The following is an entry in ClinVar:

ClinVar aggregate classification (germline): Uncertain significance (1 of 4 stars; one submission).

Conditions:
Spastic paraplegia. Identifiers: MedGen C0037772, HP:0001258.

Submission:

Labcorp Genetics (formerly Invitae), Labcorp
Classification: Uncertain significance for Spastic paraplegia. Last evaluated: 2022-05-20. Review status: criteria provided, single submitter. Criteria: Invitae Variant Classification Sherloc (09022015). Collection method: clinical testing. Allele origin: germline.
Comment: This variant is not present in population databases (gnomAD no frequency). In summary, the available evidence is currently insufficient to determine the role of this variant in disease. Therefore, it has been classified as a Variant of Uncertain Significance. Algorithms developed to predict the effect of missense changes on protein structure and function (SIFT, PolyPhen-2, Align-GVGD) all suggest that this variant is likely to be tolerated. This variant has not been reported in the literature in individuals affected with ZFYVE26-related conditions. This sequence change replaces proline, which is neutral and non-polar, with histidine, which is basic and polar, at codon 1772 of the ZFYVE26 protein (p.Pro1772His).

NM_015346.4(ZFYVE26):c.5315C>A (p.Pro1772His)

Gene: ZFYVE26 (zinc finger FYVE-type containing 26; minus strand). Cytogenetic location: 14q24.1.
Variant type: single nucleotide variant.
Coding change: c.5315C>A on transcript NM_015346.4 (MANE Select); coding-DNA position 5315, C replaced by A.
Protein change: p.Pro1772His; replaces proline 1772 with histidine.
Molecular consequence: missense variant.
Genome position (GRCh38, 1-based): chr14:67,775,021, G>T on the plus strand (C>A on the coding strand, the complement: ZFYVE26 is on the minus strand). VCF-style: chr14-67775021-G-T. GRCh37 (hg19) VCF-style: chr14-68241738-G-T.
Other names: short protein forms P1772H.
Identifiers: ClinVar variation 1970238 (VCV001970238.5), dbSNP rs2502779474, ClinGen allele CA390167843.